The following is an entry in ClinVar:

NM_000092.5(COL4A4):c.3200C>T (p.Ala1067Val)

Gene: COL4A4 (collagen type IV alpha 4 chain; minus strand). Cytogenetic location: 2q36.3.
Variant type: single nucleotide variant.
Coding change: c.3200C>T on transcript NM_000092.5 (MANE Select); coding-DNA position 3200, C replaced by T.
Protein change: p.Ala1067Val; replaces alanine 1067 with valine.
Molecular consequence: missense variant.
Genome position (GRCh38, 1-based): chr2:227,050,082, G>A on the plus strand (C>T on the coding strand, the complement: COL4A4 is on the minus strand). VCF-style: chr2-227050082-G-A. GRCh37 (hg19) VCF-style: chr2-227914798-G-A.
Other names: short protein forms A1067V.
Identifiers: ClinVar variation 1697058 (VCV001697058.2), dbSNP rs1392922149, ClinGen allele CA350838816.

ClinVar aggregate classification (germline): Uncertain significance (1 of 4 stars; one submission).

gnomAD v4.1: 2 of 1,614,114 alleles (0.00012%); highest among the groups gnomAD compares: Non-Finnish European, 0.00017%; no homozygotes.

Submission:

GeneDx
Classification: Uncertain significance. Last evaluated: 2022-01-13. Review status: criteria provided, single submitter. Criteria: GeneDx Variant Classification Process June 2021. Collection method: clinical testing. Allele origin: germline. Affected: yes.
Comment: Not observed at significant frequency in large population cohorts (gnomAD); In silico analysis supports that this missense variant does not alter protein structure/function; Occurs in the triple helical domain at the X position in the canonical Gly-X-Y repeat; although this variant may have an effect on normal protein folding and function, missense substitution at the X position is not a common mechanism of disease; Has not been previously published as pathogenic or benign to our knowledge